The following is an entry in ClinVar:

NM_000051.4(ATM):c.2751C>A (p.Ser917=)

Gene: ATM (ATM serine/threonine kinase; plus strand). Cytogenetic location: 11q22.3.
Variant type: single nucleotide variant.
Coding change: c.2751C>A on transcript NM_000051.4 (MANE Select); coding-DNA position 2751, C replaced by A.
Protein change: p.Ser917=; no amino-acid change (serine 917 retained).
Molecular consequence: synonymous variant.
Genome position (GRCh38, 1-based): chr11:108,268,522, C>A. VCF-style: chr11-108268522-C-A. GRCh37 (hg19) VCF-style: chr11-108139249-C-A.
Other names: c.2751C>A, p.Ser917= (NM_001351834.2).
Identifiers: ClinVar variation 2106679 (VCV002106679.5), dbSNP rs876659611, ClinGen allele CA476673917.
Genomic context (GRCh38, chr11:108,268,522, plus strand): 5'-CTTAGACATGCTCAAGTTCTTGTGTTTGTGTGTAACTACTGCTCAGACCAATACTGTGTC[C>A]TTTAGGGCAGCTGATATTCGGAGGAAATTGTTAATGTTAATTGATTCTAGCACGCTAGAA-3'
Protein context (NP_000042.3, residues 907-927): CVTTAQTNTV[Ser917=]FRAADIRRKL

ClinVar aggregate classification (germline): Benign/Likely benign. Review status: criteria provided, multiple submitters, no conflicts (2 of 4 stars). 2 submissions from 2 submitters: Benign (1); Likely benign (1). Last evaluated 2024-05-10.

Conditions:
Familial cancer of breast. Also called: Hereditary breast cancer; BREAST CANCER, FAMILIAL; hereditary breast carcinoma. Identifiers: Orphanet 227535, MedGen C0346153, MONDO:0016419, OMIM 114480. Disease mechanism: loss of function.
Ataxia-telangiectasia syndrome (AT). Also called: AT, COMPLEMENTATION GROUP C; Ataxia telangiectasia (A-T); LOUIS-BAR SYNDROME; Ataxia-telangiectasia, complementation group D; Ataxia-telangiectasia, complementation group E; ATAXIA-TELANGIECTASIA, COMPLEMENTATION GROUP A. Identifiers: Orphanet 100, MedGen C0004135, MONDO:0008840, OMIM 208900.

Submissions (2):

Myriad Genetics, Inc.
Classification: Benign for Familial cancer of breast. Last evaluated: 2024-05-10. Review status: criteria provided, single submitter. Criteria: Myriad Autosomal Dominant, Autosomal Recessive and X-Linked Classification Criteria (2023). Collection method: clinical testing. Allele origin: unknown.
Comment: This variant is considered benign. This variant is a silent/synonymous amino acid change and it is not expected to impact splicing.

Labcorp Genetics (formerly Invitae), Labcorp
Classification: Likely benign for Ataxia-telangiectasia syndrome. Last evaluated: 2022-03-03. Review status: criteria provided, single submitter. Criteria: Invitae Variant Classification Sherloc (09022015). Collection method: clinical testing. Allele origin: germline.